The following is an entry in ClinVar:

NM_012434.5(SLC17A5):c.699del (p.Phe233fs)

Gene: SLC17A5 (solute carrier family 17 member 5; minus strand). Cytogenetic location: 6q13.
Variant type: Deletion.
Coding change: c.699del on transcript NM_012434.5 (MANE Select); coding-DNA position 699, one base deleted (T; older notation c.699delT).
Protein change: p.Phe233fs; shifts the reading frame from phenylalanine 233.
Molecular consequence: frameshift variant. On other transcripts: intron variant (2).
Genome position (GRCh38, 1-based): chr6:73,636,622, A deleted on the plus strand (T on the coding strand, the reverse complement: SLC17A5 is on the minus strand); the first of 6 consecutive A bases (chr6:73,636,622-73,636,627); deleting any one gives the same sequence. VCF-style (leftmost placement, unchanged base first): chr6-73636621-CA-C. GRCh37 (hg19) VCF-style: chr6-74346344-CA-C.
Other names: c.468del, p.Phe156fs (NM_001382629.1); c.699del, p.Phe233fs (NM_001382630.1, NM_001382633.1, NM_001382634.1); c.720del, p.Phe240fs (NM_001382631.1); c.696del, p.Phe232fs (NM_001382635.1); c.383-1122del (NM_001382636.1); c.614-1122del (NM_001382632.1); short protein forms F233fs, F240fs, F156fs, F232fs.
Identifiers: ClinVar variation 1362038 (VCV001362038.7), dbSNP rs779548058, ClinGen allele CA3890466.

ClinVar aggregate classification (germline): Pathogenic/Likely pathogenic. Review status: criteria provided, multiple submitters, no conflicts (2 of 4 stars). 2 submissions from 2 submitters: Pathogenic (1); Likely pathogenic (1). Last evaluated 2023-12-09.

Conditions:
Salla disease (SD). Also called: Sialuria, Finnish type; N-acetylneuraminic acid (NANA) storage disease (NSD); Infantile sialic acid storage disorder (ISSD); Less Severe FSASD (Salla Disease). Identifiers: Orphanet 309334, Orphanet 834, MedGen C1096903, MONDO:0011449, OMIM 604369.

Submissions (2):

Labcorp Genetics (formerly Invitae), Labcorp
Classification: Pathogenic for Salla disease. Last evaluated: 2023-12-09. Review status: criteria provided, single submitter. Criteria: Invitae Variant Classification Sherloc (09022015). Collection method: clinical testing. Allele origin: germline.
Comment: This sequence change creates a premature translational stop signal (p.Phe233Leufs*15) in the SLC17A5 gene. It is expected to result in an absent or disrupted protein product. Loss-of-function variants in SLC17A5 are known to be pathogenic (PMID: 10581036, 10947946, 15172001). This variant is present in population databases (rs779548058, gnomAD 0.004%). This variant has not been reported in the literature in individuals affected with SLC17A5-related conditions. ClinVar contains an entry for this variant (Variation ID: 1362038). For these reasons, this variant has been classified as Pathogenic.

Baylor Genetics
Classification: Likely pathogenic for Salla disease. Last evaluated: 2023-09-07. Review status: criteria provided, single submitter. Criteria: ACMG Guidelines, 2015. Collection method: clinical testing. Allele origin: unknown.

Literature cited by the submitters: PubMed 10581036 (cited by Labcorp Genetics (formerly Invitae), Labcorp); PubMed 10947946 (cited by Labcorp Genetics (formerly Invitae), Labcorp); PubMed 15172001 (cited by Labcorp Genetics (formerly Invitae), Labcorp).